The following is an entry in ClinVar:

NM_014639.4(SKIC3):c.4460A>G (p.Gln1487Arg)

Gene: SKIC3 (SKI3 subunit of superkiller complex; minus strand). Cytogenetic location: 5q15.
Variant type: single nucleotide variant.
Coding change: c.4460A>G on transcript NM_014639.4 (MANE Select); coding-DNA position 4460, A replaced by G.
Protein change: p.Gln1487Arg; replaces glutamine 1487 with arginine.
Molecular consequence: missense variant.
Genome position (GRCh38, 1-based): chr5:95,469,816, T>C on the plus strand (A>G on the coding strand, the complement: SKIC3 is on the minus strand). VCF-style: chr5-95469816-T-C. GRCh37 (hg19) VCF-style: chr5-94805520-T-C.
Other names: short protein forms Q1487R.
Identifiers: ClinVar variation 1030342 (VCV001030342.2), dbSNP rs757945497, ClinGen allele CA3346387.

ClinVar aggregate classification (germline): Uncertain significance (1 of 4 stars; one submission).

Conditions:
Trichohepatoenteric syndrome 1 (THES1). Also called: DIARRHEA, FATAL INFANTILE, WITH TRICHORRHEXIS NODOSA. Identifiers: Orphanet 84064, MedGen C4551982, MONDO:0024541, OMIM 222470.

Allele frequency attached by ClinVar (database versions not stated): gnomAD below 0.00001 and 0.00001; TOPMed below 0.00001; gnomAD exomes 0.00006; ExAC 0.00007.
gnomAD v4.1: 40 of 1,614,052 alleles (0.0025%); highest among the groups gnomAD compares: South Asian, 0.044%; 2 homozygotes.

Submission:

Baylor Genetics
Classification: Uncertain significance for Trichohepatoenteric syndrome 1. Last evaluated: 2020-02-18. Review status: criteria provided, single submitter. Criteria: ACMG Guidelines, 2015. Collection method: clinical testing. Allele origin: unknown. Affected: yes.
Comment: This variant was determined to be of uncertain significance according to ACMG Guidelines, 2015 [PMID:25741868].